The following is an entry in ClinVar:

ClinVar aggregate classification (germline): Conflicting classifications of pathogenicity. Review status: criteria provided, conflicting classifications (1 of 4 stars). 2 submissions from 2 submitters: Uncertain significance (1); Likely benign (1). Last evaluated 2024-11-01.

Allele frequency attached by ClinVar (database versions not stated): gnomAD 0.00074; gnomAD exomes 0.00085; ESP Exome Variant Server 0.00115; ExAC 0.00166; 1000 Genomes Project 30x 0.00281.
gnomAD v4.1: 1,352 of 1,583,890 alleles (0.085%); highest among the groups gnomAD compares: African/African-American, 0.24%; 189 homozygotes.

Submissions (2):

CeGaT Center for Human Genetics Tuebingen
Classification: Likely benign. Last evaluated: 2024-11-01. Review status: criteria provided, single submitter. Criteria: CeGaT Center For Human Genetics Tuebingen Variant Classification Criteria Version 2. Collection method: clinical testing. Allele origin: germline. Affected: yes. Observed: 3 variant alleles.
Comment: AHNAK2: BP4, BS2

Ambry Genetics
Classification: Uncertain significance. Last evaluated: 2024-04-19. Review status: criteria provided, single submitter. Criteria: Ambry Variant Classification Scheme 2023. Collection method: clinical testing. Allele origin: germline.

NM_138420.4(AHNAK2):c.4970A>G (p.Lys1657Arg)

Gene: AHNAK2 (AHNAK nucleoprotein 2; minus strand). Cytogenetic location: 14q32.33.
Variant type: single nucleotide variant.
Coding change: c.4970A>G on transcript NM_138420.4 (MANE Select); coding-DNA position 4970, A replaced by G.
Protein change: p.Lys1657Arg; replaces lysine 1657 with arginine.
Molecular consequence: missense variant.
Genome position (GRCh38, 1-based): chr14:104,950,481, T>C on the plus strand (A>G on the coding strand, the complement: AHNAK2 is on the minus strand). VCF-style: chr14-104950481-T-C. GRCh37 (hg19) VCF-style: chr14-105416818-T-C.
Other names: c.4670A>G, p.Lys1557Arg (NM_001350929.2); c.4970A>G (NM_138420.2); short protein forms K1557R, K1657R.
Identifiers: ClinVar variation 2644812 (VCV002644812.25), dbSNP rs201246713, ClinGen allele CA7382095.